The following is an entry in ClinVar:

NM_002180.3(IGHMBP2):c.2598_2601del (p.Lys868fs)

Gene: IGHMBP2 (immunoglobulin mu DNA binding protein 2; plus strand). Cytogenetic location: 11q13.3.
Variant type: Deletion.
Coding change: c.2598_2601del on transcript NM_002180.3 (MANE Select); coding-DNA positions 2598 to 2601, 4 bases deleted (GAAA; older notation c.2598_2601delGAAA).
Protein change: p.Lys868fs; shifts the reading frame from lysine 868.
Molecular consequence: frameshift variant.
Genome position (GRCh38, 1-based): chr11:68,937,078-68,937,081, GAAA deleted; deleting any 4 consecutive bases within chr11:68,937,075-68,937,081 gives the same sequence; the c. name uses the placement nearest the transcript's 3' end. VCF-style (leftmost placement, unchanged base first): chr11-68937074-AAAAG-A. GRCh37 (hg19) VCF-style: chr11-68704542-AAAAG-A.
Other names: c.2598_2601delGAAA (NM_002180.2); short protein forms K868fs.
Identifiers: ClinVar variation 637277 (VCV000637277.37), dbSNP rs754422011, ClinGen allele CA6153944.
Genomic context (GRCh38, chr11:68,937,074, plus strand): 5'-AGGGGCAGCCCGCCAGCAAGGAGCAGCAGGCCTCAGGGCAGCAGAAACTTCCAGAAAAGA[AAAAG>A]AAAAAAGCCAAAGGTAAGTCAACTAATAAGAACTTGGGGCAGTGTCCCCTCACTGGGGTG-3'

ClinVar aggregate classification (germline): Pathogenic. Review status: criteria provided, multiple submitters, no conflicts (2 of 4 stars). 4 submissions from 4 submitters: Pathogenic (3). 1 of the submissions does not count toward it. Last evaluated 2025-07-02.

Conditions:
Neuronopathy, distal hereditary motor, autosomal dominant. Also called: Autosomal dominant distal hereditary motor neuropathy. Identifiers: Orphanet 140465, MedGen C5548212, MONDO:0015362.
Charcot-Marie-Tooth disease axonal type 2S. Also called: CHARCOT-MARIE-TOOTH DISEASE, AXONAL, AUTOSOMAL RECESSIVE, TYPE 2S; CHARCOT-MARIE-TOOTH NEUROPATHY, TYPE 2S. Identifiers: Orphanet 443073, MedGen C4015349, MONDO:0014511, OMIM 616155.
Autosomal recessive distal spinal muscular atrophy 1. Also called: NEURONOPATHY, SEVERE INFANTILE AXONAL, WITH RESPIRATORY FAILURE; SEVERE INFANTILE AXONAL NEUROPATHY WITH RESPIRATORY FAILURE; SPINAL MUSCULAR ATROPHY, DIAPHRAGMATIC; Spinal muscular atrophy with respiratory distress 1; NEURONOPATHY, DISTAL HEREDITARY MOTOR, HARDING TYPE VI; NEUROPATHY, DISTAL HEREDITARY MOTOR, AUTOSOMAL RECESSIVE 1. Identifiers: Orphanet 98920, MedGen C1858517, MONDO:0011436, OMIM 604320.

Submissions (4):

3billion
Classification: Pathogenic for Charcot-Marie-Tooth disease axonal type 2S. Last evaluated: 2025-07-02. Review status: criteria provided, single submitter. Criteria: ACMG Guidelines, 2015. Collection method: clinical testing. Allele origin: germline. Affected: yes.
Comment: The variant is observed at an extremely low frequency in the gnomAD v4.1.0 dataset (total allele frequency: 0.001%). Predicted Consequence/Location: Frameshift: predicted to result in a loss or disruption of normal protein function through nonsense-mediated decay (NMD) or protein truncation. Multiple pathogenic variants are reported downstream of the variant. The variant has been reported at least twice as pathogenic without evidence for the classification (ClinVar ID: VCV000637277 /PMID: 23566544). Therefore, this variant is classified as Pathogenic according to the recommendation of ACMG/AMP guideline.

Labcorp Genetics (formerly Invitae), Labcorp
Classification: Pathogenic for Autosomal recessive distal spinal muscular atrophy 1; Charcot-Marie-Tooth disease axonal type 2S. Last evaluated: 2024-10-15. Review status: criteria provided, single submitter. Criteria: Invitae Variant Classification Sherloc (09022015). Collection method: clinical testing. Allele origin: germline.
Comment: This sequence change creates a premature translational stop signal (p.Lys868Profs*109) in the IGHMBP2 gene. While this is not anticipated to result in nonsense mediated decay, it is expected to disrupt the last 126 amino acid(s) of the IGHMBP2 protein. This variant is present in population databases (rs754422011, gnomAD 0.01%). This premature translational stop signal has been observed in individual(s) with spinal muscular atrophy with respiratory distress type 1 (SMARD1) (PMID: 23566544). This variant is also known as p.Lys868Profs*110. ClinVar contains an entry for this variant (Variation ID: 637277). This variant disrupts a region of the IGHMBP2 protein in which other variant(s) (p.Arg971Glufs*4) have been determined to be pathogenic (PMID: 25439726, 25568292; internal data). This suggests that this is a clinically significant region of the protein, and that variants that disrupt it are likely to be disease-causing. For these reasons, this variant has been classified as Pathogenic.

CeGaT Center for Human Genetics Tuebingen
Classification: Pathogenic. Last evaluated: 2023-05-01. Review status: criteria provided, single submitter. Criteria: CeGaT Center For Human Genetics Tuebingen Variant Classification Criteria Version 2. Collection method: clinical testing. Allele origin: germline. Affected: yes. Observed: 1 variant allele.
Comment: IGHMBP2: PVS1, PM2, PM3

Inherited Neuropathy Consortium
Classification: Uncertain significance for Autosomal dominant distal hereditary motor neuropathy. Review status: no assertion criteria provided. Collection method: literature only. Allele origin: germline. Affected: yes. Not counted in ClinVar's aggregate classification.

Literature cited by the submitters: PubMed 23566544 (cited by 3 submitters); PubMed 25439726 (cited by Labcorp Genetics (formerly Invitae), Labcorp); PubMed 25568292 (cited by Labcorp Genetics (formerly Invitae), Labcorp).